The following is an entry in ClinVar:

NM_015268.4(DNAJC13):c.2940C>T (p.Asn980=)

Gene: DNAJC13 (DnaJ heat shock protein family (Hsp40) member C13; plus strand). Cytogenetic location: 3q22.1.
Variant type: single nucleotide variant.
Coding change: c.2940C>T on transcript NM_015268.4 (MANE Select); coding-DNA position 2940, C replaced by T.
Protein change: p.Asn980=; no amino-acid change (asparagine 980 retained).
Molecular consequence: synonymous variant.
Genome position (GRCh38, 1-based): chr3:132,482,291, C>T. VCF-style: chr3-132482291-C-T. GRCh37 (hg19) VCF-style: chr3-132201135-C-T.
Other names: c.2955C>T, p.Asn985= (NM_001329126.2).
Identifiers: ClinVar variation 2654155 (VCV002654155.24), dbSNP rs764113878, ClinGen allele CA2619143.

ClinVar aggregate classification (germline): Likely benign (1 of 4 stars; one submission).

Allele frequency attached by ClinVar (database versions not stated): gnomAD 0.00001; ExAC 0.00002; gnomAD exomes 0.00002; TOPMed 0.00002.
gnomAD v4.1: 27 of 1,613,552 alleles (0.0017%); highest among the groups gnomAD compares: Non-Finnish European, 0.002%; no homozygotes.

Submission:

CeGaT Center for Human Genetics Tuebingen
Classification: Likely benign. Last evaluated: 2024-07-01. Review status: criteria provided, single submitter. Criteria: CeGaT Center For Human Genetics Tuebingen Variant Classification Criteria Version 2. Collection method: clinical testing. Allele origin: germline. Affected: yes. Observed: 1 variant allele.
Comment: DNAJC13: BP4, BP7